The following is an entry in ClinVar:

ClinVar aggregate classification (germline): Likely benign. Review status: criteria provided, multiple submitters, no conflicts (2 of 4 stars). 3 submissions from 3 submitters: Likely benign (3). Last evaluated 2024-11-07.

Conditions:
PRPF8-related disorder. Also called: PRPF8-related condition.

Allele frequency attached by ClinVar (database versions not stated): gnomAD exomes 0.00001; ExAC 0.00005; 1000 Genomes Project 30x 0.00031; 1000 Genomes Project 0.00040.
gnomAD v4.1: 18 of 1,614,078 alleles (0.0011%); highest among the groups gnomAD compares: East Asian, 0.036%; no homozygotes.

Submissions (3):

Blueprint Genetics
Classification: Likely benign. Last evaluated: 2024-11-07. Review status: criteria provided, single submitter. Criteria: ACMG Guidelines, 2015. Collection method: clinical testing. Allele origin: germline.

PreventionGenetics, part of Exact Sciences
Classification: Likely benign for PRPF8-related condition. Last evaluated: 2024-10-18. Review status: criteria provided, single submitter. Criteria: ACMG Guidelines, 2015. Collection method: clinical testing. Allele origin: germline.
Comment: This variant is classified as likely benign based on ACMG/AMP sequence variant interpretation guidelines (Richards et al. 2015 PMID: 25741868, with internal and published modifications).

Labcorp Genetics (formerly Invitae), Labcorp
Classification: Likely benign. Last evaluated: 2024-06-24. Review status: criteria provided, single submitter. Criteria: Invitae Variant Classification Sherloc (09022015). Collection method: clinical testing. Allele origin: germline.

NM_006445.4(PRPF8):c.2484C>T (p.Pro828=)

Gene: PRPF8 (pre-mRNA processing factor 8; minus strand). Cytogenetic location: 17p13.3.
Variant type: single nucleotide variant.
Coding change: c.2484C>T on transcript NM_006445.4 (MANE Select); coding-DNA position 2484, C replaced by T.
Protein change: p.Pro828=; no amino-acid change (proline 828 retained).
Molecular consequence: synonymous variant.
Genome position (GRCh38, 1-based): chr17:1,676,275, G>A on the plus strand (C>T on the coding strand, the complement: PRPF8 is on the minus strand). VCF-style: chr17-1676275-G-A. GRCh37 (hg19) VCF-style: chr17-1579569-G-A.
Identifiers: ClinVar variation 773875 (VCV000773875.10), dbSNP rs562497060, ClinGen allele CA8272114.